The following is an entry in ClinVar:

NM_000179.3(MSH6):c.2804C>T (p.Ser935Phe)

Gene: MSH6 (mutS homolog 6; plus strand). Cytogenetic location: 2p16.3.
Variant type: single nucleotide variant.
Coding change: c.2804C>T on transcript NM_000179.3 (MANE Select); coding-DNA position 2804, C replaced by T.
Protein change: p.Ser935Phe; replaces serine 935 with phenylalanine.
Molecular consequence: missense variant.
Genome position (GRCh38, 1-based): chr2:47,800,787, C>T. VCF-style: chr2-47800787-C-T. GRCh37 (hg19) VCF-style: chr2-48027926-C-T.
Other names: c.2414C>T, p.Ser805Phe (NM_001281492.2); c.1898C>T, p.Ser633Phe (NM_001281493.2, NM_001281494.2); short protein forms S935F, S633F, S805F.
Identifiers: ClinVar variation 483850 (VCV000483850.11), dbSNP rs1553414162, ClinGen allele CA346755599.

ClinVar aggregate classification (germline): Uncertain significance. Review status: criteria provided, multiple submitters, no conflicts (2 of 4 stars). 2 submissions from 2 submitters: Uncertain significance (2). Last evaluated 2023-08-07.

Conditions:
Hereditary nonpolyposis colorectal neoplasms. Identifiers: MedGen C0009405, MeSH D003123.
Hereditary cancer-predisposing syndrome. Also called: Neoplastic Syndromes, Hereditary; Tumor predisposition; Hereditary Cancer Syndrome; Hereditary neoplastic syndrome. Identifiers: Orphanet 140162, MedGen C0027672, MeSH D009386, MONDO:0015356.

Submissions (2):

Ambry Genetics
Classification: Uncertain significance for Hereditary cancer-predisposing syndrome. Last evaluated: 2023-08-07. Review status: criteria provided, single submitter. Criteria: Ambry Variant Classification Scheme 2023. Collection method: clinical testing. Allele origin: germline.
Comment: The p.S935F variant (also known as c.2804C>T), located in coding exon 4 of the MSH6 gene, results from a C to T substitution at nucleotide position 2804. The serine at codon 935 is replaced by phenylalanine, an amino acid with highly dissimilar properties. This amino acid position is not well conserved in available vertebrate species. In addition, the in silico prediction for this alteration is inconclusive. Since supporting evidence is limited at this time, the clinical significance of this alteration remains unclear.

Labcorp Genetics (formerly Invitae), Labcorp
Classification: Uncertain significance for Hereditary nonpolyposis colorectal neoplasms. Last evaluated: 2022-02-04. Review status: criteria provided, single submitter. Criteria: Invitae Variant Classification Sherloc (09022015). Collection method: clinical testing. Allele origin: germline.
Comment: In summary, the available evidence is currently insufficient to determine the role of this variant in disease. Therefore, it has been classified as a Variant of Uncertain Significance. Advanced modeling of protein sequence and biophysical properties (such as structural, functional, and spatial information, amino acid conservation, physicochemical variation, residue mobility, and thermodynamic stability) performed at Invitae indicates that this missense variant is not expected to disrupt MSH6 protein function. ClinVar contains an entry for this variant (Variation ID: 483850). This variant has not been reported in the literature in individuals affected with MSH6-related conditions. This variant is not present in population databases (gnomAD no frequency). This sequence change replaces serine, which is neutral and polar, with phenylalanine, which is neutral and non-polar, at codon 935 of the MSH6 protein (p.Ser935Phe).